The following is an entry in ClinVar:

ClinVar aggregate classification (germline): Uncertain significance (1 of 4 stars; one submission).

Submission:

Clinical Genomics Laboratory, Laboratory for Precision Diagnostics, University of Washington
Classification: Uncertain significance. Last evaluated: 2022-09-25. Review status: criteria provided, single submitter. Criteria: ACMG/ClinGen CNV Guidelines, 2019. Collection method: clinical testing. Allele origin: unknown. Affected: yes. Observed: 1 variant allele.
Comment: The deletion is approximately 108 kb in size and involves two protein-coding genes, NT5DC1 and COL10A1 (OMIM 120110). Several heterozygous COL10A1 variants, including nonsense and frameshift variants, have been found in people with Schmid-type metaphyseal chondrodysplasia (MCDS), a skeletal dysplasia that results in bowed legs and mild to moderate short stature primarily due to shortened long bones. The changes in the hip and leg bones may lead to a distinctive waddling gait. It remains unclear if the mechanism of disease is haploinsufficiency or if the variants have a dominant-negative effect on trimerization of the collagen protein, and there is evidence supporting both. PMID: 20872587 suggest that complete loss of function of one copy of COL10A1 results in a later onset of symptoms, while variants affecting collagen formation cause a more typical, earlier onset of clinical features. In addition, there is a case report of a much larger deletion in 6q21 to q22.1 containing many genes in addition to COL10A1 in a patient with developmental delay, intellectual disability, microcephaly, facial dysmorphisms, skeletal, muscle, and brain anomalies (PMID: 26052347). A review of public databases shows no deletions of COL10A1 in the Database of Genomic Variants. One exonic deletion of COL10A1 appears in gnomAD (DEL_6_73289), seen in 2 out of 21,694 alleles. The same single exon deletion also appears in ClinVar (VCV001409703.1) as a variant of uncertain significance. ClinVar also contains a 79.1 kb deletion overlapping the one detected in this patient, and encompassing the entirety of COL10A1 (VCV001527279.1). It was found in a person with hypotonia, intellectual disability, and global developmental delay and was classified as a variant of uncertain significance. COL10A1 is not predicted to be haploinsufficent by any current model (pLI 0, %HI 19.29, LOEUF 0.94, sHet 0.006).

Literature cited by the submitters: PubMed 20872587; PubMed 26052347.

GRCh38/hg38 6q22.1(chr6:116061628-116169675)x1

Genes: COL10A1 (collagen type X alpha 1 chain; minus strand), FRK (fyn related Src family tyrosine kinase; minus strand), NT5DC1 (5'-nucleotidase domain containing 1; plus strand), LOC123833528 (Sharpr-MPRA regulatory region 2872; plus strand), LOC129389621 (MPRA-validated peak6050 silencer; plus strand) and 8 more. Cytogenetic location: 6q22.1.
Variant type: copy number loss.
Change: copy number 1 (one copy instead of two) of chr6:116,061,628-116,169,675 (108.0 kb, GRCh38 coordinates, 1-based), cytogenetic band 6q22.1.
Identifiers: ClinVar variation 4852058 (VCV004852058.1).